The following is an entry in ClinVar:

NM_152743.4(BRAT1):c.283-2A>G

Gene: BRAT1 (BRCA1 associated ATM activator 1; minus strand). Cytogenetic location: 7p22.3.
Variant type: single nucleotide variant.
Coding change: c.283-2A>G on transcript NM_152743.4 (MANE Select); the canonical splice acceptor site of the intron before coding-DNA position 283, A replaced by G.
Molecular consequence: splice acceptor variant. On other transcripts: intron variant (1).
Genome position (GRCh38, 1-based): chr7:2,545,058, T>C on the plus strand (A>G on the coding strand, the complement: BRAT1 is on the minus strand). VCF-style: chr7-2545058-T-C. GRCh37 (hg19) VCF-style: chr7-2584692-T-C.
Other names: c.-95-1096A>G (NM_001350627.2); c.283-2A>G (NM_001350626.2).
Identifiers: ClinVar variation 1905828 (VCV001905828.5), dbSNP rs147005619, ClinGen allele CA366633049.

ClinVar aggregate classification (germline): Likely pathogenic (1 of 4 stars; one submission).

Conditions:
Neonatal-onset encephalopathy with rigidity and seizures. Also called: Lethal neonatal spasticity-epileptic encephalopathy syndrome. Identifiers: Orphanet 435845, MedGen C3281029, MONDO:0013784, OMIM 614498.

Submission:

Labcorp Genetics (formerly Invitae), Labcorp
Classification: Likely pathogenic for Neonatal-onset encephalopathy with rigidity and seizures. Last evaluated: 2022-07-19. Review status: criteria provided, single submitter. Criteria: Invitae Variant Classification Sherloc (09022015). Collection method: clinical testing. Allele origin: germline.
Comment: In summary, the currently available evidence indicates that the variant is pathogenic, but additional data are needed to prove that conclusively. Therefore, this variant has been classified as Likely Pathogenic. Algorithms developed to predict the effect of sequence changes on RNA splicing suggest that this variant may disrupt the consensus splice site. This variant has not been reported in the literature in individuals affected with BRAT1-related conditions. This variant is not present in population databases (gnomAD no frequency). This sequence change affects an acceptor splice site in intron 3 of the BRAT1 gene. It is expected to disrupt RNA splicing. Variants that disrupt the donor or acceptor splice site typically lead to a loss of protein function (PMID: 16199547), and loss-of-function variants in BRAT1 are known to be pathogenic (PMID: 22279524, 25500575).

Literature cited by the submitters: PubMed 16199547; PubMed 22279524; PubMed 25500575.